The following is an entry in ClinVar:

ClinVar aggregate classification (germline): Uncertain significance (1 of 4 stars; one submission).

Allele frequency attached by ClinVar (database versions not stated): gnomAD exomes below 0.00001.
gnomAD v4.1: 1 of 1,607,564 alleles (0.000062%); highest among the groups gnomAD compares: East Asian, 0.0022%; no homozygotes.

Submission:

Labcorp Genetics (formerly Invitae), Labcorp
Classification: Uncertain significance. Last evaluated: 2022-09-29. Review status: criteria provided, single submitter. Criteria: Invitae Variant Classification Sherloc (09022015). Collection method: clinical testing. Allele origin: germline.
Comment: This sequence change replaces asparagine, which is neutral and polar, with serine, which is neutral and polar, at codon 247 of the ZCCHC8 protein (p.Asn247Ser). This variant is not present in population databases (gnomAD no frequency). This variant has not been reported in the literature in individuals affected with ZCCHC8-related conditions. Advanced modeling of protein sequence and biophysical properties (such as structural, functional, and spatial information, amino acid conservation, physicochemical variation, residue mobility, and thermodynamic stability) performed at Invitae indicates that this missense variant is expected to disrupt ZCCHC8 protein function. In summary, the available evidence is currently insufficient to determine the role of this variant in disease. Therefore, it has been classified as a Variant of Uncertain Significance.

NM_017612.5(ZCCHC8):c.740A>G (p.Asn247Ser)

Gene: ZCCHC8 (zinc finger CCHC-type containing 8; minus strand). Cytogenetic location: 12q24.31.
Variant type: single nucleotide variant.
Coding change: c.740A>G on transcript NM_017612.5 (MANE Select); coding-DNA position 740, A replaced by G.
Protein change: p.Asn247Ser; replaces asparagine 247 with serine.
Molecular consequence: missense variant.
Genome position (GRCh38, 1-based): chr12:122,482,080, T>C on the plus strand (A>G on the coding strand, the complement: ZCCHC8 is on the minus strand). VCF-style: chr12-122482080-T-C. GRCh37 (hg19) VCF-style: chr12-122966627-T-C.
Other names: c.509A>G, p.Asn170Ser (NM_001350935.2); c.443A>G, p.Asn148Ser (NM_001350936.2); c.26A>G, p.Asn9Ser (NM_001350937.2, NM_001350938.2); short protein forms N148S, N170S, N247S, N9S.
Identifiers: ClinVar variation 1720519 (VCV001720519.5), dbSNP rs2547204686, ClinGen allele CA387053257.
Genomic context (GRCh38, chr12:122,482,080, plus strand): 5'-TTGTTTGCTTCTCCACAGGCATCCATATACTCTTTTCTCTTTTCACTTATTCGAGCAGCA[T>C]TCCGAGGCTACATCATGACACATTTGAAAAGAATGGTTTCATGCAACTCAGAAATATTTC-3'
Protein context (NP_060082.2, residues 237-257): HQMKDCPMPR[Asn247Ser]AARISEKRKE